The following is an entry in ClinVar:

NM_018489.3(ASH1L):c.7903A>G (p.Ile2635Val)

Gene: ASH1L (ASH1 like histone lysine methyltransferase; minus strand). Cytogenetic location: 1q22.
Variant type: single nucleotide variant.
Coding change: c.7903A>G on transcript NM_018489.3 (MANE Select); coding-DNA position 7903, A replaced by G.
Protein change: p.Ile2635Val; replaces isoleucine 2635 with valine.
Molecular consequence: missense variant.
Genome position (GRCh38, 1-based): chr1:155,344,261, T>C on the plus strand (A>G on the coding strand, the complement: ASH1L is on the minus strand). VCF-style: chr1-155344261-T-C. GRCh37 (hg19) VCF-style: chr1-155314052-T-C.
Other names: c.7918A>G, p.Ile2640Val (NM_001366177.2); short protein forms I2635V, I2640V.
Identifiers: ClinVar variation 1320995 (VCV001320995.2), dbSNP rs1653045373, ClinGen allele CA342731949.

ClinVar aggregate classification (germline): Uncertain significance (1 of 4 stars; one submission).

Allele frequency attached by ClinVar (database versions not stated): gnomAD 0.00001.
gnomAD v4.1: 1 of 1,613,948 alleles (0.000062%); highest among the groups gnomAD compares: South Asian, 0.0011%; no homozygotes.

Submission:

GeneDx
Classification: Uncertain significance. Last evaluated: 2019-07-17. Review status: criteria provided, single submitter. Criteria: GeneDx Variant Classification Process June 2021. Collection method: clinical testing. Allele origin: germline. Affected: yes.
Comment: Not observed in large population cohorts (Lek et al., 2016); In silico analysis, which includes protein predictors and evolutionary conservation, supports that this variant does not alter protein structure/function; Has not been previously published as pathogenic or benign to our knowledge